The following is an entry in ClinVar:

ClinVar aggregate classification (germline): Uncertain significance (1 of 4 stars; one submission).

Submission:

CeGaT Center for Human Genetics Tuebingen
Classification: Uncertain significance. Last evaluated: 2025-11-01. Review status: criteria provided, single submitter. Criteria: CeGaT Center For Human Genetics Tuebingen Variant Classification Criteria Version 2. Collection method: clinical testing. Allele origin: germline. Affected: yes. Observed: 1 variant allele.
Comment: FLNA: PM2, PS4:Supporting

NM_001110556.2(FLNA):c.82A>T (p.Met28Leu)

Gene: FLNA (filamin A; minus strand). Cytogenetic location: Xq28.
Variant type: single nucleotide variant.
Coding change: c.82A>T on transcript NM_001110556.2 (MANE Select); coding-DNA position 82, A replaced by T.
Protein change: p.Met28Leu; replaces methionine 28 with leucine.
Molecular consequence: missense variant.
Genome position (GRCh38, 1-based): chrX:154,371,164, T>A on the plus strand (A>T on the coding strand, the complement: FLNA is on the minus strand). VCF-style: chrX-154371164-T-A. GRCh37 (hg19) VCF-style: chrX-153599532-T-A.
Other names: c.82A>T, p.Met28Leu (NM_001456.4); short protein forms M28L.
Identifiers: ClinVar variation 4535248 (VCV004535248.6).